The following is an entry in ClinVar:

NM_002633.3(PGM1):c.689dup (p.Pro231fs)

Gene: PGM1 (phosphoglucomutase 1; plus strand). Cytogenetic location: 1p31.3.
Variant type: Duplication.
Coding change: c.689dup on transcript NM_002633.3 (MANE Select); coding-DNA position 689, one base duplicated (G; older notation c.689dupG).
Protein change: p.Pro231fs; shifts the reading frame from proline 231.
Molecular consequence: frameshift variant.
Genome position (GRCh38, 1-based): chr1:63,634,835, G duplicated; the last of 3 consecutive G bases (chr1:63,634,833-63,634,835); duplicating any one gives the same sequence. VCF-style (leftmost placement, unchanged base first): chr1-63634832-T-TG. GRCh37 (hg19) VCF-style: chr1-64100503-T-TG.
Other names: c.743dup, p.Pro249fs (NM_001172818.1); c.98dup, p.Pro34fs (NM_001172819.2); short protein forms P231fs, P249fs, P34fs.
Identifiers: ClinVar variation 1803009 (VCV001803009.3), dbSNP rs2523892264, ClinGen allele CA2580063150.

ClinVar aggregate classification (germline): Pathogenic (1 of 4 stars; one submission).

Conditions:
PGM1-congenital disorder of glycosylation. Also called: CDG It; PHOSPHOGLUCOMUTASE 1 DEFICIENCY; PGM1 DEFICIENCY; GLYCOGEN STORAGE DISEASE XIV; Congenital disorder of glycosylation type 1t; GSD XIV. Identifiers: Orphanet 319646, MedGen C2752015, MONDO:0013968, OMIM 614921.

Submission:

Morava/Kozicz Lab, Department of Clinical Genomics, Mayo Clinic
Classification: Pathogenic for PGM1-congenital disorder of glycosylation. Last evaluated: 2022-11-23. Review status: criteria provided, single submitter. Criteria: ACMG Guidelines, 2015. Collection method: clinical testing. Allele origin: inherited. Inheritance: Autosomal recessive inheritance. Affected: yes.
Comment: Frameshif variant predicted to result in protein truncation or nonsense mediated decay in a gene for which loss-of-function is known mechanism of disease. Not observed in large population cohorts.